The following is an entry in ClinVar:

NM_001110556.2(FLNA):c.3242G>A (p.Ser1081Asn)

Gene: FLNA (filamin A; minus strand). Cytogenetic location: Xq28.
Variant type: single nucleotide variant.
Coding change: c.3242G>A on transcript NM_001110556.2 (MANE Select); coding-DNA position 3242, G replaced by A.
Protein change: p.Ser1081Asn; replaces serine 1081 with asparagine.
Molecular consequence: missense variant.
Genome position (GRCh38, 1-based): chrX:154,360,553, C>T on the plus strand (G>A on the coding strand, the complement: FLNA is on the minus strand). VCF-style: chrX-154360553-C-T. GRCh37 (hg19) VCF-style: chrX-153588921-C-T.
Other names: c.3242G>A, p.Ser1081Asn (NM_001456.4); short protein forms S1081N.
Identifiers: ClinVar variation 1497329 (VCV001497329.8), dbSNP rs782561908, ClinGen allele CA10560741.

ClinVar aggregate classification (germline): Conflicting classifications of pathogenicity. Review status: criteria provided, conflicting classifications (1 of 4 stars). 2 submissions from 2 submitters: Uncertain significance (1); Benign (1). Last evaluated 2022-12-02.

Conditions:
Oto-palato-digital syndrome, type II (OPD2). Also called: FACIOPALATOOSSEOUS SYNDROME; OPD II SYNDROME; Otopalatodigital Syndrome, Type II; Otopalatodigital Syndrome Type 2 (FLNA-OPD2). Identifiers: Orphanet 669, Orphanet 90652, MedGen C1844696, MONDO:0010571, OMIM 304120.
Heterotopia, periventricular, X-linked dominant (PVNH1). Also called: PERIVENTRICULAR NODULAR HETEROTOPIA 4; HETEROTOPIA, PERIVENTRICULAR, 1; PERIVENTRICULAR NODULAR HETEROTOPIA 1; X-linked periventricular heterotopia. Identifiers: Orphanet 2149, Orphanet 82004, MedGen C1848213, MONDO:0010233, OMIM 300049.
Melnick-Needles syndrome (MNS). Also called: MELNICK-NEEDLES OSTEODYSPLASTY; OSTEODYSPLASTY OF MELNICK AND NEEDLES; Melnick-Needles Syndrome (FLNA-MNS). Identifiers: Orphanet 2484, MedGen C0025237, MONDO:0010650, OMIM 309350.
Frontometaphyseal dysplasia (FMD1). Identifiers: Orphanet 1826, MedGen C0265293, MONDO:0015942.
Familial thoracic aortic aneurysm and aortic dissection (TAAD). Also called: Thoracic aortic aneurysms and dissections. Identifiers: Orphanet 91387, MedGen C4707243, MONDO:0019625.

Allele frequency attached by ClinVar (database versions not stated): ExAC 0.00001; gnomAD exomes 0.00001; gnomAD 0.00003; TOPMed 0.00009.

Submissions (2):

Labcorp Genetics (formerly Invitae), Labcorp
Classification: Benign for Oto-palato-digital syndrome, type II; Heterotopia, periventricular, X-linked dominant; Frontometaphyseal dysplasia; Melnick-Needles syndrome. Last evaluated: 2022-12-02. Review status: criteria provided, single submitter. Criteria: Invitae Variant Classification Sherloc (09022015). Collection method: clinical testing. Allele origin: germline.

Ambry Genetics
Classification: Uncertain significance for Familial thoracic aortic aneurysm and aortic dissection. Last evaluated: 2019-08-30. Review status: criteria provided, single submitter. Criteria: Ambry Variant Classification Scheme 2023. Collection method: clinical testing. Allele origin: germline.
Comment: The p.S1081N variant (also known as c.3242G>A), located in coding exon 21 of the FLNA gene, results from a G to A substitution at nucleotide position 3242. The serine at codon 1081 is replaced by asparagine, an amino acid with highly similar properties. This amino acid position is poorly conserved in available vertebrate species. In addition, this alteration is predicted to be tolerated by in silico analysis. Since supporting evidence is limited at this time, the clinical significance of this alteration remains unclear.